The following is an entry in ClinVar:

NM_194248.3(OTOF):c.3913AAG[5] (p.Lys1310del)

Gene: OTOF (otoferlin; minus strand). Cytogenetic location: 2p23.3.
Variant type: Microsatellite.
Coding change: c.3913AAG[5] on transcript NM_194248.3 (MANE Select); five copies in a row of the 3-base unit AAG starting at c.3913; the reference has six copies in a row; one copy, 3 bases deleted; also written c.3928_3930del.
Protein change: p.Lys1310del; deletes lysine 1310.
Molecular consequence: inframe deletion.
Genome position (GRCh38, 1-based): chr2:26,470,686-26,470,688, CTT deleted on the plus strand (AAG on the coding strand, the reverse complement: OTOF is on the minus strand); deleting any 3 consecutive bases within chr2:26,470,686-26,470,705 gives the same sequence; the position shown is the placement nearest the transcript's 3' end. VCF-style (leftmost placement, unchanged base first): chr2-26470685-CCTT-C. GRCh37 (hg19) VCF-style: chr2-26693553-CCTT-C.
Other names: c.3928_3930del (NM_001287489.2, NM_194248.3); c.3913AAG[5], p.Lys1310del (NM_001287489.2); c.1612AAG[5], p.Lys543del (NM_004802.4, NM_194323.3); c.1843AAG[5], p.Lys620del (NM_194322.3); short protein forms K1310del, K543del, K620del.
Identifiers: ClinVar variation 229078 (VCV000229078.20), dbSNP rs368148603, ClinGen allele CA1563352.

ClinVar aggregate classification (germline): Uncertain significance. Review status: criteria provided, multiple submitters, no conflicts (2 of 4 stars). 6 submissions from 6 submitters: Uncertain significance (4). 2 of the submissions do not count toward it. Last evaluated 2026-09-28.

Conditions:
Autosomal recessive nonsyndromic hearing loss 9. Also called: AUDITORY NEUROPATHY, AUTOSOMAL RECESSIVE, 1, TEMPERATURE-SENSITIVE; NEUROSENSORY NONSYNDROMIC RECESSIVE DEAFNESS 9; Deafness, autosomal recessive 9; OTOF-Related Hearing Loss. Identifiers: Orphanet 90636, MedGen C1832828, MONDO:0010986, OMIM 601071.
OTOF-related disorder. Also called: OTOF-related condition.

Submissions (6):

GeneDx
Classification: Uncertain significance. Last evaluated: 2026-09-28. Review status: criteria provided, single submitter. Criteria: GeneDx Variant Classification Process June 2021. Collection method: clinical testing. Allele origin: germline.
Comment: In silico analysis supports a deleterious effect on protein structure/function; Has not been previously published as pathogenic or benign to our knowledge; In-frame deletion of 1 amino acid(s) in a non-repeat region

Labcorp Genetics (formerly Invitae), Labcorp
Classification: Uncertain significance. Last evaluated: 2022-10-05. Review status: criteria provided, single submitter. Criteria: Invitae Variant Classification Sherloc (09022015). Collection method: clinical testing. Allele origin: germline.
Comment: This variant, c.3928_3930del, results in the deletion of 1 amino acid(s) of the OTOF protein (p.Lys1310del), but otherwise preserves the integrity of the reading frame. The frequency data for this variant in the population databases is considered unreliable, as metrics indicate poor data quality at this position in the gnomAD database. This variant has been observed in individual(s) with deafness (Invitae). ClinVar contains an entry for this variant (Variation ID: 229078). Experimental studies and prediction algorithms are not available or were not evaluated, and the functional significance of this variant is currently unknown. In summary, the available evidence is currently insufficient to determine the role of this variant in disease. Therefore, it has been classified as a Variant of Uncertain Significance.

Fulgent Genetics
Classification: Uncertain significance for Autosomal recessive nonsyndromic hearing loss 9. Last evaluated: 2021-09-13. Review status: criteria provided, single submitter. Criteria: ACMG Guidelines, 2015. Collection method: clinical testing. Allele origin: unknown.

Laboratory for Molecular Medicine, Mass General Brigham Personalized Medicine
Classification: Uncertain significance. Last evaluated: 2015-02-12. Review status: criteria provided, single submitter. Criteria: LMM Criteria. Collection method: clinical testing. Allele origin: germline. Observed: 1 variant allele.
Comment: The p.Lys1310del variant in OTOF has not been previously reported in individuals with hearing loss, but has been identified in 0.1% (10/10350) of African chromo somes by the Exome Aggregation Consortium (ExAC) . This variant is predicted to lead to a deletion of a lysine residue at positio n 1310 in a poly-lysine tract and not to alter the protein reading-frame. It is unclear whether this deletion will impact the protein. In summary, the clinical significance of the p.Lys1310del variant is uncertain.

PreventionGenetics, part of Exact Sciences
Classification: Uncertain significance for OTOF-related condition. Last evaluated: 2024-08-22. Review status: no assertion criteria provided. Collection method: clinical testing. Allele origin: germline. Not counted in ClinVar's aggregate classification.
Comment: The OTOF c.3928_3930delAAG variant is predicted to result in an in-frame deletion (p.Lys1310del). To our knowledge, this variant has not been reported in the literature. This variant is reported in 0.12% of alleles in individuals of European (Finnish) descent in gnomAD. Although we suspect that this variant may be benign, at this time, the clinical significance of this variant is uncertain due to the absence of conclusive functional and genetic evidence.

Department of Pathology and Laboratory Medicine, Sinai Health System
Classification: Uncertain significance. Review status: no assertion criteria provided. Collection method: clinical testing. Allele origin: unknown. Affected: yes. Study: The Canadian Open Genetics Repository (COGR). Not counted in ClinVar's aggregate classification.
Comment: The OTOF p.Lys620del variant was not identified in the literature nor was it identified in LOVD 3.0. The variant was identified in dbSNP (ID: rs759676287) and ClinVar (classified as a VUS by Laboratory for Molecular Medicine). The variant was identified in control databases in 155 of 279488 chromosomes (0 homozygous) at a frequency of 0.0005546 increasing the likelihood this could be a low frequency benign variant (Genome Aggregation Database March 6, 2019, v2.1.1). The variant was observed in the following populations: European (Finnish) in 28 of 24002 chromosomes (freq: 0.001167), Other in 7 of 7168 chromosomes (freq: 0.000977), African in 17 of 24838 chromosomes (freq: 0.000684), European (non-Finnish) in 80 of 127520 chromosomes (freq: 0.000627), South Asian in 8 of 30524 chromosomes (freq: 0.000262), Latino in 9 of 35282 chromosomes (freq: 0.000255), East Asian in 4 of 19872 chromosomes (freq: 0.000201), and Ashkenazi Jewish in 2 of 10282 chromosomes (freq: 0.000195). This variant is an in-frame deletion resulting in the removal of a lysine (lys) residue at codon 620; the impact of this alteration on OTOF protein function is not known. In summary, based on the above information the clinical significance of this variant cannot be determined with certainty at this time. This variant is classified as a variant of uncertain significance.